The following is an entry in ClinVar:

ClinVar aggregate classification (germline): Uncertain significance (1 of 4 stars; one submission).

gnomAD v4.1: 1 of 1,614,076 alleles (0.000062%); highest among the groups gnomAD compares: Non-Finnish European, 0.000085%; no homozygotes.

Submission:

GeneDx
Classification: Uncertain significance. Last evaluated: 2024-07-22. Review status: criteria provided, single submitter. Criteria: GeneDx Variant Classification Process June 2021. Collection method: clinical testing. Allele origin: germline. Affected: yes.
Comment: Not observed at significant frequency in large population cohorts (gnomAD); In silico analysis indicates that this missense variant does not alter protein structure/function; Has not been previously published as pathogenic or benign to our knowledge

NM_004656.4(BAP1):c.1856G>C (p.Gly619Ala)

Gene: BAP1 (BRCA1 associated deubiquitinase 1; minus strand). Cytogenetic location: 3p21.1.
Variant type: single nucleotide variant.
Coding change: c.1856G>C on transcript NM_004656.4 (MANE Select); coding-DNA position 1856, G replaced by C.
Protein change: p.Gly619Ala; replaces glycine 619 with alanine.
Molecular consequence: missense variant.
Genome position (GRCh38, 1-based): chr3:52,403,172, C>G on the plus strand (G>C on the coding strand, the complement: BAP1 is on the minus strand). VCF-style: chr3-52403172-C-G. GRCh37 (hg19) VCF-style: chr3-52437188-C-G.
Other names: c.1802G>C, p.Gly601Ala (NM_001410772.1); short protein forms G601A, G619A.
Identifiers: ClinVar variation 3600914 (VCV003600914.1).